The following is an entry in ClinVar:

ClinVar aggregate classification (germline): Benign. Review status: criteria provided, multiple submitters, no conflicts (2 of 4 stars). 8 submissions from 8 submitters: Benign (8). Last evaluated 2026-02-04.

Conditions:
Cardiovascular phenotype. Identifiers: MedGen CN230736.
Ehlers-Danlos syndrome (EDS). Identifiers: Orphanet 98249, MedGen C0013720, MONDO:0020066.
Ehlers-Danlos syndrome, kyphoscoliotic type, 2. Also called: Ehlers-Danlos syndrome with progressive kyphoscoliosis, myopathy, and hearing loss; Ehlers-Danlos syndrome, kyphoscoliotic and deafness type; FKBP14-Kyphoscoliotic Ehlers-Danlos Syndrome. Identifiers: Orphanet 300179, MedGen C3281160, MONDO:0013800, OMIM 614557.

Allele frequency attached by ClinVar (database versions not stated): ESP Exome Variant Server 0.01807; gnomAD exomes 0.01839 and 0.02452; gnomAD 0.01889 and 0.01958; ExAC 0.02308; 1000 Genomes Project 30x 0.02311; TOPMed 0.02323; 1000 Genomes Project 0.02376.
gnomAD v4.1: 29,968 of 1,612,990 alleles (1.9%); highest among the groups gnomAD compares: Admixed American, 5.4%; 404 homozygotes.

Submissions (8):

Labcorp Genetics (formerly Invitae), Labcorp
Classification: Benign for Ehlers-Danlos syndrome, kyphoscoliotic type, 2. Last evaluated: 2026-02-04. Review status: criteria provided, single submitter. Criteria: Invitae Variant Classification Sherloc (09022015). Collection method: clinical testing. Allele origin: germline.

Women's Health and Genetics/Laboratory Corporation of America, LabCorp
Classification: Benign. Last evaluated: 2026-01-22. Review status: criteria provided, single submitter. Criteria: LabCorp Variant Classification Summary - May 2015. Collection method: clinical testing. Allele origin: germline.

Molecular Diagnostic Laboratory for Inherited Cardiovascular Disease, Montreal Heart Institute
Classification: Benign. Last evaluated: 2025-04-09. Review status: criteria provided, single submitter. Criteria: ACMG Guidelines, 2015. Collection method: clinical testing. Allele origin: germline. Affected: no.

Blueprint Genetics
Classification: Benign. Last evaluated: 2024-11-27. Review status: criteria provided, single submitter. Criteria: ACMG Guidelines, 2015. Collection method: clinical testing. Allele origin: germline.

Genome Diagnostics Laboratory, The Hospital for Sick Children
Classification: Benign for Ehlers-Danlos syndrome. Last evaluated: 2022-07-16. Review status: criteria provided, single submitter. Criteria: ACMG Guidelines, 2015. Collection method: clinical testing. Allele origin: germline.

Mayo Clinic Laboratories, Mayo Clinic
Classification: Benign. Last evaluated: 2022-03-23. Review status: criteria provided, single submitter. Criteria: ACMG Guidelines, 2015. Collection method: clinical testing. Allele origin: germline. Observed: 148 variant alleles.

Ambry Genetics
Classification: Benign for Cardiovascular phenotype. Last evaluated: 2018-12-04. Review status: criteria provided, single submitter. Criteria: Ambry Variant Classification Scheme 2023. Collection method: clinical testing. Allele origin: germline.

GeneDx
Classification: Benign. Last evaluated: 2016-11-07. Review status: criteria provided, single submitter. Criteria: GeneDx Variant Classification (06012015). Collection method: clinical testing. Allele origin: germline. Affected: yes.
Comment: This variant is considered likely benign or benign based on one or more of the following criteria: it is a conservative change, it occurs at a poorly conserved position in the protein, it is predicted to be benign by multiple in silico algorithms, and/or has population frequency not consistent with disease.

NM_017946.4(FKBP14):c.165C>T (p.Tyr55=)

Genes: FKBP14 (FKBP prolyl isomerase 14; minus strand), FKBP14-AS1 (FKBP14 antisense RNA 1; plus strand). Cytogenetic location: 7p14.3.
Variant type: single nucleotide variant.
Coding change: c.165C>T on transcript NM_017946.4 (MANE Select); coding-DNA position 165, C replaced by T.
Protein change: p.Tyr55=; no amino-acid change (tyrosine 55 retained).
Molecular consequence: synonymous variant. On other transcripts: non-coding transcript variant (2).
Genome position (GRCh38, 1-based): chr7:30,026,344, G>A on the plus strand (C>T on the coding strand, the complement: FKBP14 is on the minus strand). VCF-style: chr7-30026344-G-A. GRCh37 (hg19) VCF-style: chr7-30065960-G-A.
Other names: p.Tyr55=.
Identifiers: ClinVar variation 384694 (VCV000384694.24), dbSNP rs17150692, ClinGen allele CA4203491.